The following is an entry in ClinVar:

NM_001048174.2(MUTYH):c.248T>C (p.Leu83Pro)

Gene: MUTYH (mutY DNA glycosylase; minus strand). Cytogenetic location: 1p34.1.
Variant type: single nucleotide variant.
Coding change: c.248T>C on transcript NM_001048174.2 (MANE Select); coding-DNA position 248, T replaced by C.
Protein change: p.Leu83Pro; replaces leucine 83 with proline.
Molecular consequence: missense variant. On other transcripts: 5 prime UTR variant (4), non-coding transcript variant (2).
Genome position (GRCh38, 1-based): chr1:45,333,429, A>G on the plus strand (T>C on the coding strand, the complement: MUTYH is on the minus strand). VCF-style: chr1-45333429-A-G. GRCh37 (hg19) VCF-style: chr1-45799101-A-G.
Other names: c.248T>C, p.Leu83Pro (NM_001048171.2, NM_001048173.2, NM_001293195.2); c.251T>C, p.Leu84Pro (NM_001048172.2); c.332T>C, p.Leu111Pro (NM_001128425.2); c.293T>C, p.Leu98Pro (NM_001293190.2); c.281T>C, p.Leu94Pro (NM_001293191.2); c.-29T>C (NM_001293192.2, NM_001293196.2); c.-24T>C (NM_001350650.2, NM_001350651.2); c.323T>C, p.Leu108Pro (NM_012222.3); short protein forms L111P, L108P, L94P, L98P, L83P, L84P.
Identifiers: ClinVar variation 577118 (VCV000577118.17), dbSNP rs1557485553, ClinGen allele CA340136361.

ClinVar aggregate classification (germline): Pathogenic/Likely pathogenic. Review status: criteria provided, multiple submitters, no conflicts (2 of 4 stars). 3 submissions from 3 submitters: Pathogenic (1); Likely pathogenic (2). Last evaluated 2026-08-27.

Conditions:
Familial adenomatous polyposis 2. Also called: ADENOMAS, MULTIPLE COLORECTAL, AUTOSOMAL RECESSIVE; MUTYH-associated polyposis; MUTYH-related attenuated familial adenomatous polyposis; FAP type 2; MUTYH Polyposis; MYH-associated polyposis. Identifiers: Orphanet 220460, Orphanet 247798, MedGen C3272841, MONDO:0012041, OMIM 608456.
Hereditary cancer-predisposing syndrome. Also called: Hereditary Cancer Syndrome; Hereditary neoplastic syndrome; Neoplastic Syndromes, Hereditary; Tumor predisposition. Identifiers: Orphanet 140162, MedGen C0027672, MeSH D009386, MONDO:0015356.

Allele frequency attached by ClinVar (database versions not stated): gnomAD exomes below 0.00001.
gnomAD v4.1: 2 of 1,614,196 alleles (0.00012%); highest among the groups gnomAD compares: Non-Finnish European, 0.00017%; no homozygotes.

Submissions (3):

Myriad Genetics, Inc.
Classification: Likely pathogenic for Familial adenomatous polyposis 2. Last evaluated: 2026-08-27. Review status: criteria provided, single submitter. Criteria: Myriad Autosomal Dominant, Autosomal Recessive and X-Linked Classification Criteria (2023). Collection method: clinical testing. Allele origin: unknown.
Comment: This variant is considered likely pathogenic. This variant has been reported in an individual with clinical features of gene-specific disease [PMID: 29406563]. Functional studies indicate this variant impacts protein function [PMID: 40738107, 40156857]. This variant is expected to disrupt protein structure [Myriad internal data].

Labcorp Genetics (formerly Invitae), Labcorp
Classification: Pathogenic for Familial adenomatous polyposis 2. Last evaluated: 2026-01-25. Review status: criteria provided, single submitter. Criteria: Invitae Variant Classification Sherloc (09022015). Collection method: clinical testing. Allele origin: germline.
Comment: This sequence change replaces leucine, which is neutral and non-polar, with proline, which is neutral and non-polar, at codon 111 of the MUTYH protein (p.Leu111Pro). This variant is not present in population databases (gnomAD no frequency). This missense change has been observed in individual(s) with MUTYH-related conditions (PMID: 29406563). In at least one individual the data is consistent with being in trans (on the opposite chromosome) from a pathogenic variant. It has also been observed to segregate with disease in related individuals. ClinVar contains an entry for this variant (Variation ID: 577118). An algorithm developed to predict the effect of missense changes on protein structure and function (PolyPhen-2) suggests that this variant is likely to be disruptive. This variant disrupts the p.Leu111 amino acid residue in MUTYH. Other variant(s) that disrupt this residue have been determined to be pathogenic (PMID: 24470512). This suggests that this residue is clinically significant, and that variants that disrupt this residue are likely to be disease-causing. For these reasons, this variant has been classified as Pathogenic.

Ambry Genetics
Classification: Likely pathogenic for Hereditary cancer-predisposing syndrome. Last evaluated: 2025-09-10. Review status: criteria provided, single submitter. Criteria: Ambry Variant Classification Scheme 2023. Collection method: clinical testing. Allele origin: germline.
Comment: The p.L111P variant (also known as c.332T>C), located in coding exon 3 of the MUTYH gene, results from a T to C substitution at nucleotide position 332. The leucine at codon 111 is replaced by proline, an amino acid with similar properties. This variant is considered to be rare based on population cohorts in the Genome Aggregation Database (gnomAD). This amino acid position is highly conserved in available vertebrate species. In addition, this alteration is predicted to be deleterious by in silico analysis. Based on the majority of available evidence to date, this variant is likely to be pathogenic.

Literature cited by the submitters: PubMed 29406563 (cited by 3 submitters); PubMed 40738107 (cited by Myriad Genetics, Inc.); PubMed 40156857 (cited by Myriad Genetics, Inc.); PubMed 24470512 (cited by Labcorp Genetics (formerly Invitae), Labcorp).